The following is an entry in ClinVar:

ClinVar aggregate classification (germline): Uncertain significance. Review status: criteria provided, multiple submitters, no conflicts (2 of 4 stars). 2 submissions from 2 submitters: Uncertain significance (2). Last evaluated 2021-08-23.

Conditions:
TWIST1-related craniosynostosis (CRS1). Also called: CRANIOSYNOSTOSIS 1. Identifiers: Orphanet 63440, MedGen C4551902, MONDO:0007399, OMIM 123100. Inheritance: Heterogenous inheritance pattern.
Inborn genetic diseases. Identifiers: MedGen C0950123, MeSH D030342.

Submissions (2):

Labcorp Genetics (formerly Invitae), Labcorp
Classification: Uncertain significance for TWIST1-related craniosynostosis. Last evaluated: 2021-08-23. Review status: criteria provided, single submitter. Criteria: Invitae Variant Classification Sherloc (09022015). Collection method: clinical testing. Allele origin: germline.
Comment: In summary, the available evidence is currently insufficient to determine the role of this variant in disease. Therefore, it has been classified as a Variant of Uncertain Significance. Algorithms developed to predict the effect of missense changes on protein structure and function (SIFT, PolyPhen-2, Align-GVGD) all suggest that this variant is likely to be tolerated. This variant has not been reported in the literature in individuals affected with ERF-related conditions. This variant is present in population databases (rs766642440, ExAC 0.01%). This sequence change replaces arginine with glycine at codon 458 of the ERF protein (p.Arg458Gly). The arginine residue is moderately conserved and there is a moderate physicochemical difference between arginine and glycine.

Ambry Genetics
Classification: Uncertain significance for Inborn genetic diseases. Last evaluated: 2021-07-27. Review status: criteria provided, single submitter. Criteria: Ambry Variant Classification Scheme 2023. Collection method: clinical testing. Allele origin: germline.

NM_006494.4(ERF):c.1372C>G (p.Arg458Gly)

Gene: ERF (ETS2 repressor factor; minus strand). Cytogenetic location: 19q13.2.
Variant type: single nucleotide variant.
Coding change: c.1372C>G on transcript NM_006494.4 (MANE Select); coding-DNA position 1372, C replaced by G.
Protein change: p.Arg458Gly; replaces arginine 458 with glycine.
Molecular consequence: missense variant.
Genome position (GRCh38, 1-based): chr19:42,248,740, G>C on the plus strand (C>G on the coding strand, the complement: ERF is on the minus strand). VCF-style: chr19-42248740-G-C. GRCh37 (hg19) VCF-style: chr19-42752892-G-C.
Other names: c.1147C>G, p.Arg383Gly (NM_001301035.2, NM_001308402.2, NM_001312656.2); c.1372C>G (NM_006494.2); short protein forms R458G, R383G.
Identifiers: ClinVar variation 1403054 (VCV001403054.7), dbSNP rs766642440, ClinGen allele CA9471181.